The following is an entry in ClinVar:

ClinVar aggregate classification (germline): Pathogenic. Review status: criteria provided, multiple submitters, no conflicts (2 of 4 stars). 2 submissions from 2 submitters: Pathogenic (2). Last evaluated 2024-12-12.

Conditions:
Hypertrophic cardiomyopathy 4. Also called: Familial hypertrophic cardiomyopathy 4. Identifiers: MedGen C1861862, MONDO:0007268, OMIM 115197.
Hypertrophic cardiomyopathy. Also called: HYPERTROPHIC MYOCARDIOPATHY. Identifiers: Orphanet 217569, MedGen C0007194, MeSH D002312, MONDO:0005045, HP:0001639.

Submissions (2):

Labcorp Genetics (formerly Invitae), Labcorp
Classification: Pathogenic for Hypertrophic cardiomyopathy. Last evaluated: 2024-12-12. Review status: criteria provided, single submitter. Criteria: Invitae Variant Classification Sherloc (09022015). Collection method: clinical testing. Allele origin: germline.
Comment: This sequence change creates a premature translational stop signal (p.Ala1105Glyfs*85) in the MYBPC3 gene. It is expected to result in an absent or disrupted protein product. Loss-of-function variants in MYBPC3 are known to be pathogenic (PMID: 19574547). This variant is not present in population databases (gnomAD no frequency). This premature translational stop signal has been observed in individual(s) with hypertrophic cardiomyopathy (PMID: 32380161). ClinVar contains an entry for this variant (Variation ID: 1333262). For these reasons, this variant has been classified as Pathogenic.

3billion
Classification: Pathogenic for Hypertrophic cardiomyopathy 4. Last evaluated: 2022-01-03. Review status: criteria provided, single submitter. Criteria: ACMG Guidelines, 2015. Collection method: clinical testing. Allele origin: germline. Affected: yes. Observed: 1 heterozygote.
Comment: Frameshift: predicted to result in a loss or disruption of normal protein function through nonsense-mediated decay (NMD) or protein truncation. Multiple pathogenic variants are reported downstream of the variant (PVS1_VS). It is not observed in the gnomAD v2.1.1 dataset (PM2_M). The variant has been reported to be associated with MYBPC3 related disorder (PMID:32380161). Therefore, this variant is classified as pathogenic according to the recommendation of ACMG/AMP guideline.

Literature cited by the submitters: PubMed 19574547 (cited by Labcorp Genetics (formerly Invitae), Labcorp); PubMed 32380161 (cited by Labcorp Genetics (formerly Invitae), Labcorp and 3billion).

NM_000256.3(MYBPC3):c.3313_3314insGG (p.Ala1105fs)

Gene: MYBPC3 (myosin binding protein C3; minus strand). Cytogenetic location: 11p11.2.
Variant type: Insertion.
Coding change: c.3313_3314insGG on transcript NM_000256.3 (MANE Select); coding-DNA positions 3313 to 3314, GG inserted.
Protein change: p.Ala1105fs; shifts the reading frame from alanine 1105.
Molecular consequence: frameshift variant.
Genome position: GRCh38 VCF-style: chr11-47333210-G-GCC. GRCh37 (hg19) VCF-style: chr11-47354761-G-GCC.
Other names: short protein forms A1105fs.
Identifiers: ClinVar variation 1333262 (VCV001333262.3), dbSNP rs2142850797, ClinGen allele CA915940858.